The following is an entry in ClinVar:

NM_005026.5(PIK3CD):c.940G>T (p.Val314Leu)

Gene: PIK3CD (phosphatidylinositol-4,5-bisphosphate 3-kinase catalytic subunit delta; plus strand). Cytogenetic location: 1p36.22.
Variant type: single nucleotide variant.
Coding change: c.940G>T on transcript NM_005026.5 (MANE Select); coding-DNA position 940, G replaced by T.
Protein change: p.Val314Leu; replaces valine 314 with leucine.
Molecular consequence: missense variant.
Genome position (GRCh38, 1-based): chr1:9,717,546, G>T. VCF-style: chr1-9717546-G-T. GRCh37 (hg19) VCF-style: chr1-9777604-G-T.
Other names: c.940G>T (LRG_191t1); c.940G>T, p.Val314Leu (NM_001350234.2); c.853G>T, p.Val285Leu (NM_001350235.1); short protein forms V285L, V314L.
Identifiers: ClinVar variation 650354 (VCV000650354.4), dbSNP rs770390674, ClinGen allele CA338301739.

ClinVar aggregate classification (germline): Uncertain significance (1 of 4 stars; one submission).

Conditions:
Immunodeficiency 14 (IMD14A). Also called: p110-DELTA-ACTIVATING MUTATION CAUSING SENESCENT T CELLS, LYMPHADENOPATHY, AND IMMUNODEFICIENCY; IMMUNODEFICIENCY 14A WITH LYMPHOPROLIFERATION, AUTOSOMAL DOMINANT; ACTIVATED PI3K-DELTA SYNDROME 1; Activated PI3K Delta Syndrome Type 1 (APDS1). Identifiers: Orphanet 397596, Orphanet 693661, MedGen C5907821, MONDO:0014222, OMIM 615513.

gnomAD v4.1: 6 of 1,614,066 alleles (0.00037%); highest among the groups gnomAD compares: Non-Finnish European, 0.00025%; no homozygotes.

Submission:

Labcorp Genetics (formerly Invitae), Labcorp
Classification: Uncertain significance for Activated PI3K-delta syndrome. Last evaluated: 2023-01-06. Review status: criteria provided, single submitter. Criteria: Invitae Variant Classification Sherloc (09022015). Collection method: clinical testing. Allele origin: germline.
Comment: In summary, the available evidence is currently insufficient to determine the role of this variant in disease. Therefore, it has been classified as a Variant of Uncertain Significance. Advanced modeling of protein sequence and biophysical properties (such as structural, functional, and spatial information, amino acid conservation, physicochemical variation, residue mobility, and thermodynamic stability) performed at Invitae indicates that this missense variant is not expected to disrupt PIK3CD protein function. ClinVar contains an entry for this variant (Variation ID: 650354). This variant has not been reported in the literature in individuals affected with PIK3CD-related conditions. The frequency data for this variant in the population databases is considered unreliable, as metrics indicate poor data quality at this position in the gnomAD database. This sequence change replaces valine, which is neutral and non-polar, with leucine, which is neutral and non-polar, at codon 314 of the PIK3CD protein (p.Val314Leu).